The following is an entry in ClinVar:

ClinVar aggregate classification (germline): Pathogenic (1 of 4 stars; one submission).

Conditions:
Carnitine palmitoyl transferase 1A deficiency. Also called: CPT I DEFICIENCY; CPT DEFICIENCY, HEPATIC, TYPE I; Carnitine palmitoyltransferase 1A deficiency; Carnitine palmitoyltransferase type I deficiency; CPT deficiency, hepatic, type IA. Identifiers: Orphanet 156, MedGen C1829703, MONDO:0009705, OMIM 255120.

Submission:

3billion
Classification: Pathogenic for Carnitine palmitoyl transferase 1A deficiency. Last evaluated: 2022-09-01. Review status: criteria provided, single submitter. Criteria: ACMG Guidelines, 2015. Collection method: clinical testing. Allele origin: germline. Affected: yes. Observed: 1 homozygote.
Comment: The variant is not observed in the gnomAD v2.1.1 dataset. Canonical splice site is predicted to alter splicing and result in a loss or disruption of normal protein function. Multiple pathogenic loss-of-function variants are reported downstream of the variant. Therefore, this variant is classified as Pathogenic according to the recommendation of ACMG/AMP guideline.

NM_001876.4(CPT1A):c.1164-2A>G

Genes: CPT1A (carnitine palmitoyltransferase 1A; minus strand), LOC126861244 (BRD4-independent group 4 enhancer GRCh37_chr11:68549035-68550234; plus strand). Cytogenetic location: 11q13.3.
Variant type: single nucleotide variant.
Coding change: c.1164-2A>G on transcript NM_001876.4 (MANE Select); the canonical splice acceptor site of the intron before coding-DNA position 1164, A replaced by G.
Molecular consequence: splice acceptor variant.
Genome position (GRCh38, 1-based): chr11:68,781,961, T>C on the plus strand (A>G on the coding strand, the complement: CPT1A is on the minus strand). VCF-style: chr11-68781961-T-C. GRCh37 (hg19) VCF-style: chr11-68549429-T-C.
Other names: c.1164-2A>G (NM_001031847.3).
Identifiers: ClinVar variation 1705365 (VCV001705365.1), dbSNP rs2495578109, ClinGen allele CA381632065.